The following is an entry in ClinVar:

ClinVar aggregate classification (germline): Pathogenic (1 of 4 stars; one submission).

Conditions:
Gnathodiaphyseal dysplasia (GDD). Also called: GNATHODIAPHYSEAL SCLEROSIS; OSTEOGENESIS IMPERFECTA WITH UNUSUAL SKELETAL LESIONS. Identifiers: Orphanet 53697, MedGen C1833736, MONDO:0008151, OMIM 166260.
Autosomal recessive limb-girdle muscular dystrophy type 2L (LGMDR12). Also called: Limb-girdle muscular dystrophy, type 2L; Limb-Girdle Muscular Dystrophy R12 Anoctamin-5-Related (LGMD-R12); MUSCULAR DYSTROPHY, LIMB-GIRDLE, AUTOSOMAL RECESSIVE 12. Identifiers: Orphanet 206549, MedGen C1969785, MONDO:0012652, OMIM 611307.

Submission:

Labcorp Genetics (formerly Invitae), Labcorp
Classification: Pathogenic for Autosomal recessive limb-girdle muscular dystrophy type 2L; Gnathodiaphyseal dysplasia. Last evaluated: 2021-09-02. Review status: criteria provided, single submitter. Criteria: Invitae Variant Classification Sherloc (09022015). Collection method: clinical testing. Allele origin: germline.
Comment: For these reasons, this variant has been classified as Pathogenic. This variant has not been reported in the literature in individuals affected with ANO5-related conditions. This variant is a gross deletion of the genomic region encompassing exon(s) 15 of the ANO5 gene. This deletion is out-of-frame, and is expected to create a premature termination codon and result in an absent or disrupted protein product. Loss-of-function variants in ANO5 are known to be pathogenic (PMID: 21186264, 23606453, 25891276, 30919934).

Literature cited by the submitters: PubMed 21186264; PubMed 23606453; PubMed 25891276; PubMed 30919934.

NC_000011.9:g.(?_22281045)_(22281307_?)del

Gene: ANO5 (anoctamin 5; plus strand). Cytogenetic location: 11p14.3.
Variant type: Deletion.
Identifiers: ClinVar variation 1457293 (VCV001457293.6).